The following is an entry in ClinVar:

NM_001195.5(BFSP1):c.1679G>A (p.Arg560His)

Gene: BFSP1 (beaded filament structural protein 1; minus strand). Cytogenetic location: 20p12.1.
Variant type: single nucleotide variant.
Coding change: c.1679G>A on transcript NM_001195.5 (MANE Select); coding-DNA position 1679, G replaced by A.
Protein change: p.Arg560His; replaces arginine 560 with histidine.
Molecular consequence: missense variant.
Genome position (GRCh38, 1-based): chr20:17,494,393, C>T on the plus strand (G>A on the coding strand, the complement: BFSP1 is on the minus strand). VCF-style: chr20-17494393-C-T. GRCh37 (hg19) VCF-style: chr20-17475038-C-T.
Other names: c.1304G>A, p.Arg435His (NM_001161705.2); c.1262G>A, p.Arg421His (NM_001278606.2, NM_001278608.2); c.1346G>A, p.Arg449His (NM_001278607.2); short protein forms R421H, R435H, R449H, R560H.
Identifiers: ClinVar variation 1050182 (VCV001050182.3), dbSNP rs142869476, ClinGen allele CA9772013.

ClinVar aggregate classification (germline): Uncertain significance. Review status: criteria provided, single submitter (1 of 4 stars). 2 submissions from 2 submitters: Uncertain significance (1). 1 of the submissions does not count toward it. Last evaluated 2025-10-02.

Conditions:
Cataract 33. Also called: CATARACT 33, CORTICAL. Identifiers: Orphanet 91492, MedGen C3808107, MONDO:0012665, OMIM 611391.

Allele frequency attached by ClinVar (database versions not stated): ESP Exome Variant Server 0.00008; TOPMed 0.00008.
gnomAD v4.1: 222 of 1,614,120 alleles (0.014%); highest among the groups gnomAD compares: Non-Finnish European, 0.018%; no homozygotes.

Submissions (2):

Labcorp Genetics (formerly Invitae), Labcorp
Classification: Uncertain significance for Cataract 33. Last evaluated: 2025-10-02. Review status: criteria provided, single submitter. Criteria: Invitae Variant Classification Sherloc (09022015). Collection method: clinical testing. Allele origin: germline.
Comment: This sequence change replaces arginine, which is basic and polar, with histidine, which is basic and polar, at codon 560 of the BFSP1 protein (p.Arg560His). This variant is present in population databases (rs142869476, gnomAD 0.006%). This variant has not been reported in the literature in individuals affected with BFSP1-related conditions. ClinVar contains an entry for this variant (Variation ID: 1050182). Invitae Evidence Modeling of protein sequence and biophysical properties (such as structural, functional, and spatial information, amino acid conservation, physicochemical variation, residue mobility, and thermodynamic stability) indicates that this missense variant is not expected to disrupt BFSP1 protein function with a negative predictive value of 80%. In summary, the available evidence is currently insufficient to determine the role of this variant in disease. Therefore, it has been classified as a Variant of Uncertain Significance.

Department of Pathology and Laboratory Medicine, Sinai Health System
Classification: Uncertain significance. Review status: no assertion criteria provided. Collection method: clinical testing. Allele origin: unknown. Affected: yes. Study: The Canadian Open Genetics Repository (COGR). Not counted in ClinVar's aggregate classification.
Comment: The BFSP1 p.Arg560His variant was not identified in the literature nor was it identified in ClinVar, Cosmic or LOVD 3.0. The variant was identified in dbSNP (ID: rs142869476) and was found in control databases in 11 of 282874 chromosomes at a frequency of 0.000039 (Genome Aggregation Database Feb 27, 2017). The variant was observed in the following populations: Other in 1 of 7228 chromosomes (freq: 0.000138), European (non-Finnish) in 8 of 129180 chromosomes (freq: 0.000062), South Asian in 1 of 30616 chromosomes (freq: 0.000033) and Latino in 1 of 35440 chromosomes (freq: 0.000028), while the variant was not observed in the African, Ashkenazi Jewish, East Asian or European (Finnish) populations. The variant occurs outside of the splicing consensus sequence and 4 of 4 in silico or computational prediction software programs (SpliceSiteFinder, MaxEntScan, NNSPLICE, GeneSplicer) predict the loss of a 5' splice site at the site of variation. However, this information is not predictive enough to assume pathogenicity. The p.Arg560 residue is not conserved in mammals and computational analyses (PolyPhen-2, SIFT, AlignGVGD, BLOSUM, MutationTaster) do not suggest a high likelihood of impact to the protein; however, this information is not predictive enough to rule out pathogenicity. In summary, based on the above information the clinical significance of this variant cannot be determined with certainty at this time. This variant is classified as a variant of uncertain significance.